The following is an entry in ClinVar:

ClinVar aggregate classification (germline): Uncertain significance (1 of 4 stars; one submission).

Conditions:
Cowden syndrome (CS). Also called: Cowden disease; Cowden's disease; Cowden's syndrome. Identifiers: Orphanet 201, MedGen C0018553, MONDO:0016063. Disease mechanism: gain of function.

Allele frequency attached by ClinVar (database versions not stated): gnomAD exomes below 0.00001.
gnomAD v4.1: 3 of 1,613,800 alleles (0.00019%); highest among the groups gnomAD compares: Non-Finnish European, 0.00017%; no homozygotes.

Submission:

Labcorp Genetics (formerly Invitae), Labcorp
Classification: Uncertain significance for Cowden syndrome. Last evaluated: 2022-11-17. Review status: criteria provided, single submitter. Criteria: Invitae Variant Classification Sherloc (09022015). Collection method: clinical testing. Allele origin: germline.
Comment: In summary, the available evidence is currently insufficient to determine the role of this variant in disease. Therefore, it has been classified as a Variant of Uncertain Significance. Algorithms developed to predict the effect of missense changes on protein structure and function (SIFT, PolyPhen-2, Align-GVGD) all suggest that this variant is likely to be disruptive. ClinVar contains an entry for this variant (Variation ID: 855764). This variant has not been reported in the literature in individuals affected with PIK3CA-related conditions. This variant is not present in population databases (gnomAD no frequency). This sequence change replaces isoleucine, which is neutral and non-polar, with threonine, which is neutral and polar, at codon 1019 of the PIK3CA protein (p.Ile1019Thr).

NM_006218.4(PIK3CA):c.3056T>C (p.Ile1019Thr)

Gene: PIK3CA (phosphatidylinositol-4,5-bisphosphate 3-kinase catalytic subunit alpha; plus strand). Cytogenetic location: 3q26.32.
Variant type: single nucleotide variant.
Coding change: c.3056T>C on transcript NM_006218.4 (MANE Select); coding-DNA position 3056, T replaced by C.
Protein change: p.Ile1019Thr; replaces isoleucine 1019 with threonine.
Molecular consequence: missense variant.
Genome position (GRCh38, 1-based): chr3:179,234,213, T>C. VCF-style: chr3-179234213-T-C. GRCh37 (hg19) VCF-style: chr3-178952001-T-C.
Other names: short protein forms I1019T.
Identifiers: ClinVar variation 855764 (VCV000855764.10), dbSNP rs1725280610, ClinGen allele CA355285381.